The following is an entry in ClinVar:

ClinVar aggregate classification (germline): Uncertain significance (1 of 4 stars; one submission).

Conditions:
Paget disease of bone 2, early-onset (PDB2). Also called: Paget disease of bone 2. Identifiers: MedGen C4085251, MONDO:0011183, OMIM 602080.
Frontotemporal dementia and/or amyotrophic lateral sclerosis 1 (FTDALS1). Also called: Frontotemporal dementia with motor neuron disease 1; C9orf72 Frontotemporal Dementia and/or Amyotrophic Lateral Sclerosis. Identifiers: Orphanet 275872, MedGen C5779877, MONDO:0007105, OMIM 105550.

Allele frequency attached by ClinVar (database versions not stated): gnomAD exomes below 0.00001.
gnomAD v4.1: 5 of 1,614,116 alleles (0.00031%); highest among the groups gnomAD compares: Non-Finnish European, 0.00034%; no homozygotes.

Submission:

Labcorp Genetics (formerly Invitae), Labcorp
Classification: Uncertain significance for Paget disease of bone 2, early-onset; Frontotemporal dementia and/or amyotrophic lateral sclerosis 1. Last evaluated: 2025-07-14. Review status: criteria provided, single submitter. Criteria: Invitae Variant Classification Sherloc (09022015). Collection method: clinical testing. Allele origin: germline.
Comment: This sequence change replaces proline, which is neutral and non-polar, with leucine, which is neutral and non-polar, at codon 384 of the SQSTM1 protein (p.Pro384Leu). This variant is present in population databases (no rsID available, gnomAD no frequency). This variant has not been reported in the literature in individuals affected with SQSTM1-related conditions. ClinVar contains an entry for this variant (Variation ID: 2048191). Invitae Evidence Modeling of protein sequence and biophysical properties (such as structural, functional, and spatial information, amino acid conservation, physicochemical variation, residue mobility, and thermodynamic stability) indicates that this missense variant is expected to disrupt SQSTM1 protein function with a positive predictive value of 80%. In summary, the available evidence is currently insufficient to determine the role of this variant in disease. Therefore, it has been classified as a Variant of Uncertain Significance.

NM_003900.5(SQSTM1):c.1151C>T (p.Pro384Leu)

Gene: SQSTM1 (sequestosome 1; plus strand). Cytogenetic location: 5q35.3.
Variant type: single nucleotide variant.
Coding change: c.1151C>T on transcript NM_003900.5 (MANE Select); coding-DNA position 1151, C replaced by T.
Protein change: p.Pro384Leu; replaces proline 384 with leucine.
Molecular consequence: missense variant.
Genome position (GRCh38, 1-based): chr5:179,833,768, C>T. VCF-style: chr5-179833768-C-T. GRCh37 (hg19) VCF-style: chr5-179260768-C-T.
Other names: c.899C>T, p.Pro300Leu (NM_001142298.2, NM_001142299.2); short protein forms P300L, P384L.
Identifiers: ClinVar variation 2048191 (VCV002048191.4), dbSNP rs1235968497, ClinGen allele CA362453091.